The following is an entry in ClinVar:

ClinVar aggregate classification (germline): Uncertain significance (1 of 4 stars; one submission).

Submission:

GeneDx
Classification: Uncertain significance. Last evaluated: 2024-05-21. Review status: criteria provided, single submitter. Criteria: GeneDx Variant Classification Process June 2021. Collection method: clinical testing. Allele origin: germline. Affected: yes.
Comment: Frameshift variant predicted to result in protein truncation or nonsense mediated decay in a gene or region of a gene for which loss of function is not a well-established mechanism of disease; Not observed at significant frequency in large population cohorts (gnomAD); Has not been previously published as pathogenic or benign to our knowledge

NM_001393504.1(MAST3):c.415del (p.Arg139fs)

Genes: MAST3 (microtubule associated serine/threonine kinase 3; plus strand), LOC126862876 (BRD4-independent group 4 enhancer GRCh37_chr19:18232970-18234169; plus strand). Cytogenetic location: 19p13.11.
Variant type: Deletion.
Coding change: c.415del on transcript NM_001393504.1 (MANE Select); coding-DNA position 415, one base deleted (C; older notation c.415delC).
Protein change: p.Arg139fs; shifts the reading frame from arginine 139.
Molecular consequence: frameshift variant.
Genome position (GRCh38, 1-based): chr19:18,123,232, C deleted; the last of 3 consecutive C bases (chr19:18,123,230-18,123,232); deleting any one gives the same sequence. VCF-style (leftmost placement, unchanged base first): chr19-18123229-TC-T. GRCh37 (hg19) VCF-style: chr19-18234039-TC-T.
Other names: c.439del, p.Arg147fs (NM_001393501.1); c.418del, p.Arg140fs (NM_001393502.1); c.415del, p.Arg139fs (NM_001393503.1); c.412del, p.Arg138fs (NM_001393505.1); c.367del, p.Arg123fs (NM_001393506.1, NM_001393513.1); c.394del, p.Arg132fs (NM_001393507.1); c.349del, p.Arg117fs (NM_001393508.1, NM_001393516.1); c.346del, p.Arg116fs (NM_001393509.1, NM_001393510.1, NM_001393512.1 and 2 more transcripts); and 4 more; short protein forms R101fs, R109fs, R110fs, R115fs, R116fs, R117fs, R123fs, R132fs.
Identifiers: ClinVar variation 3381543 (VCV003381543.1).